The following is an entry in ClinVar:

ClinVar aggregate classification (germline): Likely pathogenic (1 of 4 stars; one submission).

Conditions:
Inborn genetic diseases. Identifiers: MedGen C0950123, MeSH D030342.

Submission:

Ambry Genetics
Classification: Likely pathogenic for Inborn genetic diseases. Last evaluated: 2025-05-02. Review status: criteria provided, single submitter. Criteria: Ambry Variant Classification Scheme 2023. Collection method: clinical testing. Allele origin: germline.
Comment: The c.469C>T (p.R157C) alteration is located in exon 5 (coding exon 5) of the RORA gene. This alteration results from a C to T substitution at nucleotide position 469, causing the arginine (R) at amino acid position 157 to be replaced by a cysteine (C). This variant was not reported in population-based cohorts in the Genome Aggregation Database (gnomAD). This amino acid position is highly conserved in available vertebrate species. This missense alteration is located in a region that has a low rate of benign missense variation (Lek, 2016; Firth, 2009). This alteration is predicted to be deleterious by in silico analysis. Based on the available evidence, this alteration is classified as likely pathogenic.

NM_134261.3(RORA):c.370C>T (p.Arg124Cys)

Genes: RORA (RAR related orphan receptor A; minus strand), RORA-AS1 (RORA antisense RNA 1; plus strand). Cytogenetic location: 15q22.2.
Variant type: single nucleotide variant.
Coding change: c.370C>T on transcript NM_134261.3 (MANE Select); coding-DNA position 370, C replaced by T.
Protein change: p.Arg124Cys; replaces arginine 124 with cysteine.
Molecular consequence: missense variant.
Genome position (GRCh38, 1-based): chr15:60,514,670, G>A on the plus strand (C>T on the coding strand, the complement: RORA is on the minus strand). VCF-style: chr15-60514670-G-A. GRCh37 (hg19) VCF-style: chr15-60806869-G-A.
Other names: c.445C>T, p.Arg149Cys (NM_002943.4); c.469C>T, p.Arg157Cys (NM_134260.3); c.205C>T, p.Arg69Cys (NM_134262.3); short protein forms R157C, R149C, R124C, R69C.
Identifiers: ClinVar variation 3947184 (VCV003947184.1).